The following is an entry in ClinVar:

ClinVar aggregate classification (germline): Likely pathogenic (1 of 4 stars; one submission).

Conditions:
ZTTK syndrome (ZTTKS). Also called: ZTTK MULTIPLE CONGENITAL ANOMALIES-MENTAL RETARDATION SYNDROME; Zhu-Tokita-Takenouchi-Kim Syndrome. Identifiers: Orphanet 500150, MedGen C4310696, MONDO:0014936, OMIM 617140.

Submission:

Institute of Human Genetics, University of Goettingen
Classification: Likely pathogenic for ZTTK syndrome. Review status: criteria provided, single submitter. Criteria: ACMG Guidelines, 2015. Collection method: clinical testing. Allele origin: de novo. Affected: yes.
Comment: The variant c.1116del p.Gly373ValfsTer5 on gene SON is characterized as a frameshift variant and a splice region variant. It impacts exon 8 of the SON gene. This variant has not been observed in the general population, with a frequency of 0.0% as reported in the Genome Aggregation Database (gnomAD), and there are no reported homozygous individuals for this variant in gnomAD. Computational evidence supporting the predicted deleterious effect of the variant includes a Combined Annotation Dependent Depletion (CADD) score of 26.9. The variant c.1116del p.Gly373ValfsTer5 on gene SON has been classified as likely pathogenic according to the American College of Medical Genetics and Genomics (ACMG)/Association for Molecular Pathology (AMP) criteria. This classification is specific to the condition known as Zhou-Tokita-Takenouchi-Kim Syndrome (ZTTK syndrome), a rare congenital disorder characterized by intellectual disability, developmental delay, and multiple congenital anomalies. The criteria met for this classification include PVS1 (with evidence downgraded to strong), PM2, and PP3.

NM_138927.4(SON):c.7032del (p.Gly2345fs)

Gene: SON (SON DNA and RNA binding protein; plus strand). Cytogenetic location: 21q22.11.
Variant type: Deletion.
Coding change: c.7032del on transcript NM_138927.4 (MANE Select); coding-DNA position 7032, one base deleted (A; older notation c.7032delA).
Protein change: p.Gly2345fs; shifts the reading frame from glycine 2345.
Molecular consequence: frameshift variant. On other transcripts: non-coding transcript variant (1).
Genome position (GRCh38, 1-based): chr21:33,573,454, A deleted; the last of 4 consecutive A bases (chr21:33,573,451-33,573,454); deleting any one gives the same sequence. VCF-style (leftmost placement, unchanged base first): chr21-33573450-GA-G. GRCh37 (hg19) VCF-style: chr21-34945756-GA-G.
Other names: c.1116del, p.Gly373fs (NM_001291412.3); short protein forms G2345fs, G373fs.
Identifiers: ClinVar variation 3906986 (VCV003906986.1).
Genomic context (GRCh38, chr21:33,573,450, plus strand): 5'-GATTAGGAAAAAACAAAGAAGGCAATAAGGAACCCATCCTAGTTGATTTTAAGACAGACC[GA>G]AAAGGTAACAAGTTCTTTTTTGGAATGTTTATTAACGTCTCCTTTAACATTACCTTTAAT-3'